The following is an entry in ClinVar:

ClinVar aggregate classification (germline): Uncertain significance. Review status: criteria provided, multiple submitters, no conflicts (2 of 4 stars). 2 submissions from 2 submitters: Uncertain significance (2). Last evaluated 2023-12-14.

Conditions:
Duchenne muscular dystrophy (DMD). Also called: MUSCULAR DYSTROPHY, PSEUDOHYPERTROPHIC PROGRESSIVE, DUCHENNE TYPE; Duchenne Muscular Dystrophy (DMD). Identifiers: Orphanet 98896, MedGen C0013264, MONDO:0010679, OMIM 310200.

Submissions (2):

Labcorp Genetics (formerly Invitae), Labcorp
Classification: Uncertain significance for Duchenne muscular dystrophy. Last evaluated: 2023-12-14. Review status: criteria provided, single submitter. Criteria: Invitae Variant Classification Sherloc (09022015). Collection method: clinical testing. Allele origin: germline.
Comment: This sequence change falls in intron 16 of the DMD gene. It does not directly change the encoded amino acid sequence of the DMD protein. This variant is not present in population databases (gnomAD no frequency). This variant has not been reported in the literature in individuals affected with DMD-related conditions. Algorithms developed to predict the effect of sequence changes on RNA splicing suggest that this variant may disrupt the consensus splice site. In summary, the available evidence is currently insufficient to determine the role of this variant in disease. Therefore, it has been classified as a Variant of Uncertain Significance.

GeneDx
Classification: Uncertain significance. Last evaluated: 2023-04-27. Review status: criteria provided, single submitter. Criteria: GeneDx Variant Classification Process June 2021. Collection method: clinical testing. Allele origin: germline. Affected: yes.
Comment: Not observed at significant frequency in large population cohorts (gnomAD); In silico analysis supports a deleterious effect on splicing; Has not been previously published as pathogenic or benign to our knowledge

NM_004006.3(DMD):c.1993-13A>G

Gene: DMD (dystrophin; minus strand). Cytogenetic location: Xp21.1.
Variant type: single nucleotide variant.
Coding change: c.1993-13A>G on transcript NM_004006.3 (MANE Select); 13 bases into the intron before coding-DNA position 1993, A replaced by G.
Molecular consequence: intron variant.
Genome position (GRCh38, 1-based): chrX:32,545,347, T>C on the plus strand (A>G on the coding strand, the complement: DMD is on the minus strand). VCF-style: chrX-32545347-T-C. GRCh37 (hg19) VCF-style: chrX-32563464-T-C.
Other names: c.1969-13A>G (NM_000109.4); c.1981-13A>G (NM_004009.3); c.1624-13A>G (NM_004010.3).
Identifiers: ClinVar variation 2663607 (VCV002663607.4), dbSNP rs2526096186, ClinGen allele CA2695200190.